The following is an entry in ClinVar:

ClinVar aggregate classification (germline): Conflicting classifications of pathogenicity. Review status: criteria provided, conflicting classifications (1 of 4 stars). 5 submissions from 5 submitters: Uncertain significance (3); Likely benign (2). Last evaluated 2026-01-27.

Conditions:
LRSAM1-related disorder. Also called: LRSAM1-related condition.
Charcot-Marie-Tooth disease axonal type 2P. Also called: CHARCOT-MARIE-TOOTH NEUROPATHY, TYPE 2P; CHARCOT-MARIE-TOOTH DISEASE, AXONAL, TYPE 2G; CMT 2G; Charcot-Marie-Tooth Neuropathy Type 2G. Identifiers: Orphanet 300319, Orphanet 99941, MedGen C3280797, MONDO:0013753, OMIM 614436.
Charcot-Marie-Tooth disease. Also called: Charcot-Marie-Tooth Neuropathy; Charcot-Marie-Tooth Hereditary Neuropathy. Identifiers: Orphanet 166, MedGen C0007959, MONDO:0015626.
Inborn genetic diseases. Identifiers: MedGen C0950123, MeSH D030342.

Allele frequency attached by ClinVar (database versions not stated): TOPMed 0.00005; 1000 Genomes Project 30x 0.00031; 1000 Genomes Project 0.00040.
gnomAD v4.1: 257 of 1,606,918 alleles (0.016%); highest among the groups gnomAD compares: East Asian, 0.53%; 1 homozygote.

Submissions (5):

PreventionGenetics, part of Exact Sciences
Classification: Uncertain significance for LRSAM1-related condition. Last evaluated: 2026-01-27. Review status: criteria provided, single submitter. Criteria: ACMG Guidelines, 2015. Collection method: clinical testing. Allele origin: germline.
Comment: The LRSAM1 c.1351G>A variant is predicted to result in the amino acid substitution p.Ala451Thr. To our knowledge, this variant has not been reported in the literature. This variant is reported in 0.12% of alleles in individuals of East Asian descent in gnomAD. Although we suspect that this variant may be benign, at this time, the clinical significance of this variant is uncertain due to the absence of conclusive functional and genetic evidence.

Labcorp Genetics (formerly Invitae), Labcorp
Classification: Uncertain significance for Charcot-Marie-Tooth disease axonal type 2P. Last evaluated: 2026-01-13. Review status: criteria provided, single submitter. Criteria: Invitae Variant Classification Sherloc (09022015). Collection method: clinical testing. Allele origin: germline.
Comment: This sequence change replaces alanine, which is neutral and non-polar, with threonine, which is neutral and polar, at codon 451 of the LRSAM1 protein (p.Ala451Thr). This variant is present in population databases (rs202166023, gnomAD 0.1%). This variant has not been reported in the literature in individuals affected with LRSAM1-related conditions. ClinVar contains an entry for this variant (Variation ID: 841226). Invitae Evidence Modeling of protein sequence and biophysical properties (such as structural, functional, and spatial information, amino acid conservation, physicochemical variation, residue mobility, and thermodynamic stability) indicates that this missense variant is not expected to disrupt LRSAM1 protein function with a negative predictive value of 80%. In summary, the available evidence is currently insufficient to determine the role of this variant in disease. Therefore, it has been classified as a Variant of Uncertain Significance.

Ambry Genetics
Classification: Uncertain significance for Inborn genetic diseases. Last evaluated: 2025-08-19. Review status: criteria provided, single submitter. Criteria: Ambry Variant Classification Scheme 2023. Collection method: clinical testing. Allele origin: germline.

Illumina Laboratory Services, Illumina
Classification: Likely benign for Charcot-Marie-Tooth disease axonal type 2P. Last evaluated: 2018-01-13. Review status: criteria provided, single submitter. Criteria: ICSL Variant Classification Criteria 13 December 2019. Collection method: clinical testing. Allele origin: germline.
Comment: This variant was observed in the ICSL laboratory as part of a predisposition screen in an ostensibly healthy population. It had not been previously curated by ICSL or reported in the Human Gene Mutation Database (HGMD: prior to June 1st, 2018), and was therefore a candidate for classification through an automated scoring system. Utilizing variant allele frequency, disease prevalence and penetrance estimates, and inheritance mode, an automated score was calculated to assess if this variant is too frequent to cause the disease. Based on the score and internal cut-off values, a variant classified as likely benign is not then subjected to further curation. The score for this variant resulted in a classification of likely benign for this disease.

Molecular Genetics Laboratory, London Health Sciences Centre
Classification: Likely benign for Charcot-Marie-Tooth disease. Review status: criteria provided, single submitter. Criteria: ACMG Guidelines, 2015. Collection method: clinical testing. Allele origin: germline. Affected: yes.

NM_001005373.4(LRSAM1):c.1351G>A (p.Ala451Thr)

Gene: LRSAM1 (leucine rich repeat and sterile alpha motif containing 1; plus strand). Cytogenetic location: 9q33.3.
Variant type: single nucleotide variant.
Coding change: c.1351G>A on transcript NM_001005373.4 (MANE Select); coding-DNA position 1351, G replaced by A.
Protein change: p.Ala451Thr; replaces alanine 451 with threonine.
Molecular consequence: missense variant. On other transcripts: non-coding transcript variant (2).
Genome position (GRCh38, 1-based): chr9:127,489,447, G>A. VCF-style: chr9-127489447-G-A. GRCh37 (hg19) VCF-style: chr9-130251726-G-A.
Other names: c.1351G>A (NM_138361.4); c.1351G>A, p.Ala451Thr (NM_001005374.4, NM_001190723.3, NM_001384142.1 and 2 more transcripts); c.562G>A, p.Ala188Thr (NM_001384144.1); short protein forms A451T, A188T.
Identifiers: ClinVar variation 841226 (VCV000841226.13), dbSNP rs202166023, ClinGen allele CA5246956.